The following is an entry in ClinVar:

ClinVar aggregate classification (germline): Uncertain significance. Review status: criteria provided, multiple submitters, no conflicts (2 of 4 stars). 2 submissions from 2 submitters: Uncertain significance (2). Last evaluated 2026-07-02.

Conditions:
Oligodontia-cancer predisposition syndrome. Also called: TOOTH AGENESIS-COLORECTAL CANCER SYNDROME. Identifiers: Orphanet 300576, MedGen C1837750, MONDO:0012075, OMIM 608615. Disease mechanism: loss of function.
Hereditary cancer-predisposing syndrome. Also called: Hereditary Cancer Syndrome; Hereditary neoplastic syndrome; Neoplastic Syndromes, Hereditary; Tumor predisposition. Identifiers: Orphanet 140162, MedGen C0027672, MeSH D009386, MONDO:0015356.

Allele frequency attached by ClinVar (database versions not stated): gnomAD 0.00001; TOPMed 0.00001.
gnomAD v4.1: 2 of 1,614,096 alleles (0.00012%); highest among the groups gnomAD compares: African/African-American, 0.0013%; no homozygotes.

Submissions (2):

Ambry Genetics
Classification: Uncertain significance for Hereditary cancer-predisposing syndrome. Last evaluated: 2026-07-02. Review status: criteria provided, single submitter. Criteria: Ambry Variant Classification Scheme 2023. Collection method: clinical testing. Allele origin: germline.
Comment: The p.V248I variant (also known as c.742G>A), located in coding exon 1 of the AXIN2 gene, results from a G to A substitution at nucleotide position 742. The valine at codon 248 is replaced by isoleucine, an amino acid with highly similar properties. This amino acid position is conserved. In addition, this alteration is predicted to be tolerated by in silico analysis. Based on the available evidence, the clinical significance of this variant remains unclear.

Labcorp Genetics (formerly Invitae), Labcorp
Classification: Uncertain significance for Oligodontia-cancer predisposition syndrome. Last evaluated: 2025-02-19. Review status: criteria provided, single submitter. Criteria: Invitae Variant Classification Sherloc (09022015). Collection method: clinical testing. Allele origin: germline.
Comment: This sequence change replaces valine, which is neutral and non-polar, with isoleucine, which is neutral and non-polar, at codon 248 of the AXIN2 protein (p.Val248Ile). This variant is present in population databases (rs758769942, gnomAD 0.007%). This variant has not been reported in the literature in individuals affected with AXIN2-related conditions. ClinVar contains an entry for this variant (Variation ID: 2981255). Invitae Evidence Modeling of protein sequence and biophysical properties (such as structural, functional, and spatial information, amino acid conservation, physicochemical variation, residue mobility, and thermodynamic stability) indicates that this missense variant is not expected to disrupt AXIN2 protein function with a negative predictive value of 80%. In summary, the available evidence is currently insufficient to determine the role of this variant in disease. Therefore, it has been classified as a Variant of Uncertain Significance.

NM_004655.4(AXIN2):c.742G>A (p.Val248Ile)

Gene: AXIN2 (axin 2; minus strand). Cytogenetic location: 17q24.1.
Variant type: single nucleotide variant.
Coding change: c.742G>A on transcript NM_004655.4 (MANE Select); coding-DNA position 742, G replaced by A.
Protein change: p.Val248Ile; replaces valine 248 with isoleucine.
Molecular consequence: missense variant.
Genome position (GRCh38, 1-based): chr17:65,557,879, C>T on the plus strand (G>A on the coding strand, the complement: AXIN2 is on the minus strand). VCF-style: chr17-65557879-C-T. GRCh37 (hg19) VCF-style: chr17-63553997-C-T.
Other names: c.742G>A, p.Val248Ile (NM_001363813.1); short protein forms V248I.
Identifiers: ClinVar variation 2981255 (VCV002981255.4), dbSNP rs758769942, ClinGen allele CA8718996.